The following is an entry in ClinVar:

NM_013275.6(ANKRD11):c.3761del (p.Ser1254fs)

Gene: ANKRD11 (ankyrin repeat domain containing 11; minus strand). Cytogenetic location: 16q24.3.
Variant type: Deletion.
Coding change: c.3761del on transcript NM_013275.6 (MANE Select); coding-DNA position 3761, one base deleted (G; older notation c.3761delG).
Protein change: p.Ser1254fs; shifts the reading frame from serine 1254.
Molecular consequence: frameshift variant.
Genome position (GRCh38, 1-based): chr16:89,282,781, C deleted on the plus strand (G on the coding strand, the reverse complement: ANKRD11 is on the minus strand). VCF-style (leftmost placement, unchanged base first): chr16-89282780-GC-G. GRCh37 (hg19) VCF-style: chr16-89349188-GC-G.
Other names: c.3761del, p.Ser1254fs (NM_001256182.2, NM_001256183.2); short protein forms S1254fs.
Identifiers: ClinVar variation 2631518 (VCV002631518.1), dbSNP rs2544235864, ClinGen allele CA2695201161.

ClinVar aggregate classification (germline): Pathogenic (1 of 4 stars; one submission).

Conditions:
ANKRD11-related disorder. Also called: ANKRD11-related condition.

Submission:

PreventionGenetics, part of Exact Sciences
Classification: Pathogenic for ANKRD11-related condition. Last evaluated: 2023-08-13. Review status: criteria provided, single submitter. Criteria: ACMG Guidelines, 2015. Collection method: clinical testing. Allele origin: germline.
Comment: The ANKRD11 c.3761delG variant is predicted to result in a frameshift and premature protein termination (p.Ser1254Thrfs*64). To our knowledge, this variant has not been reported in the literature or in a large population database, indicating this variant is rare. Frameshift variants in ANKRD11 are expected to be pathogenic. This variant is interpreted as pathogenic.